The following is an entry in ClinVar:

ClinVar aggregate classification (germline): Likely benign (1 of 4 stars; one submission).

Conditions:
Ornithine carbamoyltransferase deficiency (OTCD). Also called: ORNITHINE TRANSCARBAMYLASE DEFICIENCY; ORNITHINE TRANSCARBAMYLASE DEFICIENCY, HYPERAMMONEMIA DUE TO; OTC DEFICIENCY; Ornithine Carbamoyltransferase Deficiency Disease. Identifiers: Orphanet 664, MedGen C0268542, MONDO:0010703, OMIM 311250.

Allele frequency attached by ClinVar (database versions not stated): gnomAD 0.00001; TOPMed 0.00001.
gnomAD v4.1: 1 of 1,197,847 alleles (0.000083%); highest among the groups gnomAD compares: Admixed American, 0.0022%; no homozygotes.

Submission:

All of Us Research Program, National Institutes of Health
Classification: Likely benign for Ornithine carbamoyltransferase deficiency. Last evaluated: 2023-12-13. Review status: criteria provided, single submitter. Criteria: ACMG Guidelines, 2015. Collection method: clinical testing. Allele origin: germline. Inheritance: X-linked inheritance. Observed: 2 variant alleles, 2 heterozygotes.
Comment: This study involves interpretation of variants in research participants for the purpose of population health screening. Participant phenotype was not available at the time of variant classification. Additional details can be found in publication PMID: 35346344, PMCID: PMC8962531

NM_000531.6(OTC):c.78-10C>T

Gene: OTC (ornithine transcarbamylase; plus strand). Cytogenetic location: Xp11.4.
Variant type: single nucleotide variant.
Coding change: c.78-10C>T on transcript NM_000531.6 (MANE Select); 10 bases into the intron before coding-DNA position 78, C replaced by T.
Molecular consequence: intron variant.
Genome position (GRCh38, 1-based): chrX:38,367,281, C>T. VCF-style: chrX-38367281-C-T. GRCh37 (hg19) VCF-style: chrX-38226534-C-T.
Other names: c.78-10C>T (NM_001407092.1).
Identifiers: ClinVar variation 3074720 (VCV003074720.1), dbSNP rs2068300835, ClinGen allele CA1132412376.